The following is an entry in ClinVar:

NM_000059.4(BRCA2):c.6104C>G (p.Thr2035Ser)

Gene: BRCA2 (BRCA2 DNA repair associated; plus strand). Cytogenetic location: 13q13.1.
Variant type: single nucleotide variant.
Coding change: c.6104C>G on transcript NM_000059.4 (MANE Select); coding-DNA position 6104, C replaced by G.
Protein change: p.Thr2035Ser; replaces threonine 2035 with serine.
Molecular consequence: missense variant. On other transcripts: intron variant (2), non-coding transcript variant (1).
Genome position (GRCh38, 1-based): chr13:32,340,459, C>G. VCF-style: chr13-32340459-C-G. GRCh37 (hg19) VCF-style: chr13-32914596-C-G.
Other names: c.425-4099C>G (NM_001406722.1); c.6104C>G, p.Thr2035Ser (NM_001406719.1, NM_001406720.1, NM_001432077.1); c.1910-4099C>G (NM_001406721.1); short protein forms T2035S.
Identifiers: ClinVar variation 3992810 (VCV003992810.1).
Genomic context (GRCh38, chr13:32,340,459, plus strand): 5'-TGTTTAAAAGTAACGAACATTCAGACCAGCTCACAAGAGAAGAAAATACTGCTATACGTA[C>G]TCCAGAACATTTAATATCCCAAAAAGGCTTTTCATATAATGTGGTAAATTCATCTGCTTT-3'
Protein context (NP_000050.3, residues 2025-2045): LTREENTAIR[Thr2035Ser]PEHLISQKGF

ClinVar aggregate classification (germline): Uncertain significance (1 of 4 stars; one submission).

Conditions:
Hereditary cancer-predisposing syndrome. Also called: Tumor predisposition; Hereditary neoplastic syndrome; Neoplastic Syndromes, Hereditary; Hereditary Cancer Syndrome. Identifiers: Orphanet 140162, MedGen C0027672, MeSH D009386, MONDO:0015356.

Submission:

Ambry Genetics
Classification: Uncertain significance for Hereditary cancer-predisposing syndrome. Last evaluated: 2025-04-19. Review status: criteria provided, single submitter. Criteria: Ambry Variant Classification Scheme 2023. Collection method: clinical testing. Allele origin: germline.
Comment: The p.T2035S variant (also known as c.6104C>G), located in coding exon 10 of the BRCA2 gene, results from a C to G substitution at nucleotide position 6104. The threonine at codon 2035 is replaced by serine, an amino acid with similar properties. This amino acid position is conserved. In addition, this alteration is predicted to be tolerated by in silico analysis. Based on the available evidence, the clinical significance of this variant remains unclear.